The following is an entry in ClinVar:

NM_001376.5(DYNC1H1):c.5282A>G (p.Asn1761Ser)

Gene: DYNC1H1 (dynein cytoplasmic 1 heavy chain 1; plus strand). Cytogenetic location: 14q32.31.
Variant type: single nucleotide variant.
Coding change: c.5282A>G on transcript NM_001376.5 (MANE Select); coding-DNA position 5282, A replaced by G.
Protein change: p.Asn1761Ser; replaces asparagine 1761 with serine.
Molecular consequence: missense variant.
Genome position (GRCh38, 1-based): chr14:102,005,085, A>G. VCF-style: chr14-102005085-A-G. GRCh37 (hg19) VCF-style: chr14-102471422-A-G.
Other names: short protein forms N1761S.
Identifiers: ClinVar variation 839932 (VCV000839932.9), dbSNP rs2048181510, ClinGen allele CA391046279.

ClinVar aggregate classification (germline): Uncertain significance (1 of 4 stars; one submission).

Conditions:
Charcot-Marie-Tooth disease axonal type 2O. Also called: CHARCOT-MARIE-TOOTH NEUROPATHY, AXONAL, TYPE 2O; CHARCOT-MARIE-TOOTH DISEASE, AXONAL, AUTOSOMAL DOMINANT, TYPE 2O; Charcot-Marie-Tooth disease, axonal, type 20; Charcot-Marie-Tooth Neuropathy Type 2O. Identifiers: Orphanet 284232, MedGen C3280220, MONDO:0013644, OMIM 614228.

Allele frequency attached by ClinVar (database versions not stated): gnomAD exomes below 0.00001.
gnomAD v4.1: 2 of 1,614,204 alleles (0.00012%); highest among the groups gnomAD compares: Non-Finnish European, 0.00017%; no homozygotes.

Submission:

Labcorp Genetics (formerly Invitae), Labcorp
Classification: Uncertain significance for Charcot-Marie-Tooth disease axonal type 2O. Last evaluated: 2023-05-04. Review status: criteria provided, single submitter. Criteria: Invitae Variant Classification Sherloc (09022015). Collection method: clinical testing. Allele origin: germline.
Comment: This sequence change replaces asparagine, which is neutral and polar, with serine, which is neutral and polar, at codon 1761 of the DYNC1H1 protein (p.Asn1761Ser). This variant is not present in population databases (gnomAD no frequency). This variant has not been reported in the literature in individuals affected with DYNC1H1-related conditions. ClinVar contains an entry for this variant (Variation ID: 839932). Advanced modeling of protein sequence and biophysical properties (such as structural, functional, and spatial information, amino acid conservation, physicochemical variation, residue mobility, and thermodynamic stability) performed at Invitae indicates that this missense variant is not expected to disrupt DYNC1H1 protein function. In summary, the available evidence is currently insufficient to determine the role of this variant in disease. Therefore, it has been classified as a Variant of Uncertain Significance.